The following is an entry in ClinVar:

NM_006642.5(SDCCAG8):c.1375T>C (p.Tyr459His)

Gene: SDCCAG8 (SHH signaling and ciliogenesis regulator SDCCAG8; plus strand). Cytogenetic location: 1q43.
Variant type: single nucleotide variant.
Coding change: c.1375T>C on transcript NM_006642.5 (MANE Select); coding-DNA position 1375, T replaced by C.
Protein change: p.Tyr459His; replaces tyrosine 459 with histidine.
Molecular consequence: missense variant.
Genome position (GRCh38, 1-based): chr1:243,344,233, T>C. VCF-style: chr1-243344233-T-C. GRCh37 (hg19) VCF-style: chr1-243507535-T-C.
Other names: c.472T>C, p.Tyr158His (NM_001350247.2, NM_001350251.2, NM_001350246.2); c.1471T>C, p.Tyr491His (NM_001350248.2); c.1081T>C, p.Tyr361His (NM_001350249.2); short protein forms Y459H, Y361H, Y491H, Y158H.
Identifiers: ClinVar variation 940955 (VCV000940955.10), dbSNP rs1182496392, ClinGen allele CA345475833.
Genomic context (GRCh38, chr1:243,344,233, plus strand): 5'-AGATTCCAGCAGGTAATCATCCAGTTTTTTACAATCTAACAGGTGTGTGGAGAAATGCGC[T>C]ATCAGCTGAATAAAACCAACATGGAGAAGGATGAGGCAGAAAAGGAGCACAGAGAGTTCA-3'
Protein context (NP_006633.1, residues 449-469): DVTKVCGEMR[Tyr459His]QLNKTNMEKD

ClinVar aggregate classification (germline): Uncertain significance. Review status: criteria provided, multiple submitters, no conflicts (2 of 4 stars). 3 submissions from 3 submitters: Uncertain significance (3). Last evaluated 2025-05-29.

Conditions:
Senior-Loken syndrome 7 (SLSN7). Identifiers: Orphanet 3156, MedGen C3150877, MONDO:0013326, OMIM 613615.
Bardet-Biedl syndrome 16 (BBS16). Identifiers: Orphanet 110, MedGen C3889474, MONDO:0014444, OMIM 615993.

Allele frequency attached by ClinVar (database versions not stated): gnomAD exomes 0.00001 and 0.00003; TOPMed 0.00001.
gnomAD v4.1: 41 of 1,613,924 alleles (0.0025%); highest among the groups gnomAD compares: Non-Finnish European, 0.0035%; no homozygotes.

Submissions (3):

Labcorp Genetics (formerly Invitae), Labcorp
Classification: Uncertain significance for Bardet-Biedl syndrome 16; Senior-Loken syndrome 7. Last evaluated: 2025-05-29. Review status: criteria provided, single submitter. Criteria: Invitae Variant Classification Sherloc (09022015). Collection method: clinical testing. Allele origin: germline.
Comment: This sequence change replaces tyrosine, which is neutral and polar, with histidine, which is basic and polar, at codon 459 of the SDCCAG8 protein (p.Tyr459His). This variant is present in population databases (no rsID available, gnomAD 0.002%). This variant has not been reported in the literature in individuals affected with SDCCAG8-related conditions. ClinVar contains an entry for this variant (Variation ID: 940955). Invitae Evidence Modeling of protein sequence and biophysical properties (such as structural, functional, and spatial information, amino acid conservation, physicochemical variation, residue mobility, and thermodynamic stability) indicates that this missense variant is not expected to disrupt SDCCAG8 protein function with a negative predictive value of 80%. In summary, the available evidence is currently insufficient to determine the role of this variant in disease. Therefore, it has been classified as a Variant of Uncertain Significance.

GeneDx
Classification: Uncertain significance. Last evaluated: 2024-03-27. Review status: criteria provided, single submitter. Criteria: GeneDx Variant Classification Process June 2021. Collection method: clinical testing. Allele origin: germline. Affected: yes.
Comment: Reported in an individual with obesity in published literature; however, no further clinical or segregation information was provided (PMID: 37810530); Not observed at significant frequency in large population cohorts (gnomAD); In silico analysis supports that this missense variant does not alter protein structure/function; This variant is associated with the following publications: (PMID: 37810530)

Fulgent Genetics
Classification: Uncertain significance for Senior-Loken syndrome 7; Bardet-Biedl syndrome 16. Last evaluated: 2024-02-25. Review status: criteria provided, single submitter. Criteria: ACMG Guidelines, 2015. Collection method: clinical testing. Allele origin: germline.